The following is an entry in ClinVar:

NM_005060.4(RORC):c.916A>T (p.Thr306Ser)

Gene: RORC (RAR related orphan receptor C; minus strand). Cytogenetic location: 1q21.3.
Variant type: single nucleotide variant.
Coding change: c.916A>T on transcript NM_005060.4 (MANE Select); coding-DNA position 916, A replaced by T.
Protein change: p.Thr306Ser; replaces threonine 306 with serine.
Molecular consequence: missense variant.
Genome position (GRCh38, 1-based): chr1:151,814,591, T>A on the plus strand (A>T on the coding strand, the complement: RORC is on the minus strand). VCF-style: chr1-151814591-T-A. GRCh37 (hg19) VCF-style: chr1-151787067-T-A.
Other names: c.853A>T, p.Thr285Ser (NM_001001523.2); short protein forms T306S, T285S.
Identifiers: ClinVar variation 1929489 (VCV001929489.5), dbSNP rs2525619548, ClinGen allele CA342014036.

ClinVar aggregate classification (germline): Uncertain significance (1 of 4 stars; one submission).

Conditions:
Autosomal recessive mendelian susceptibility to mycobacterial diseases due to complete RORgamma receptor deficiency. Also called: Immunodeficiency 42. Identifiers: Orphanet 477857, MedGen C5567647, MONDO:0014710, OMIM 616622.

Submission:

Labcorp Genetics (formerly Invitae), Labcorp
Classification: Uncertain significance for Autosomal recessive mendelian susceptibility to mycobacterial diseases due to complete RORgamma receptor deficiency. Last evaluated: 2024-10-15. Review status: criteria provided, single submitter. Criteria: Invitae Variant Classification Sherloc (09022015). Collection method: clinical testing. Allele origin: germline.
Comment: This sequence change replaces threonine, which is neutral and polar, with serine, which is neutral and polar, at codon 306 of the RORC protein (p.Thr306Ser). This variant is not present in population databases (gnomAD no frequency). This variant has not been reported in the literature in individuals affected with RORC-related conditions. ClinVar contains an entry for this variant (Variation ID: 1929489). An algorithm developed to predict the effect of missense changes on protein structure and function (PolyPhen-2) suggests that this variant is likely to be tolerated. In summary, the available evidence is currently insufficient to determine the role of this variant in disease. Therefore, it has been classified as a Variant of Uncertain Significance.